The following is an entry in ClinVar:

ClinVar aggregate classification (germline): Uncertain significance (1 of 4 stars; one submission).

Submission:

Labcorp Genetics (formerly Invitae), Labcorp
Classification: Uncertain significance. Last evaluated: 2025-10-09. Review status: criteria provided, single submitter. Criteria: Invitae Variant Classification Sherloc (09022015). Collection method: clinical testing. Allele origin: germline.
Comment: This sequence change replaces threonine, which is neutral and polar, with lysine, which is basic and polar, at codon 318 of the COQ8B protein (p.Thr318Lys). This variant is present in population databases (no rsID available, gnomAD 0.01%). This variant has not been reported in the literature in individuals affected with COQ8B-related conditions. ClinVar contains an entry for this variant (Variation ID: 1928396). Invitae Evidence Modeling of protein sequence and biophysical properties (such as structural, functional, and spatial information, amino acid conservation, physicochemical variation, residue mobility, and thermodynamic stability) has been performed for this missense variant. However, the output from this modeling did not meet the statistical confidence thresholds required to predict the impact of this variant on COQ8B protein function. In summary, the available evidence is currently insufficient to determine the role of this variant in disease. Therefore, it has been classified as a Variant of Uncertain Significance.

NM_024876.4(COQ8B):c.953C>A (p.Thr318Lys)

Gene: COQ8B (coenzyme Q8B; minus strand). Cytogenetic location: 19q13.2.
Variant type: single nucleotide variant.
Coding change: c.953C>A on transcript NM_024876.4 (MANE Select); coding-DNA position 953, C replaced by A.
Protein change: p.Thr318Lys; replaces threonine 318 with lysine.
Molecular consequence: missense variant.
Genome position (GRCh38, 1-based): chr19:40,700,392, G>T on the plus strand (C>A on the coding strand, the complement: COQ8B is on the minus strand). VCF-style: chr19-40700392-G-T. GRCh37 (hg19) VCF-style: chr19-41206297-G-T.
Other names: c.830C>A, p.Thr277Lys (NM_001142555.3); short protein forms T277K, T318K.
Identifiers: ClinVar variation 1928396 (VCV001928396.5), dbSNP rs55899516, ClinGen allele CA405960874.